The following is an entry in ClinVar:

NM_001273.5(CHD4):c.698C>T (p.Ala233Val)

Gene: CHD4 (chromodomain helicase DNA binding protein 4; minus strand). Cytogenetic location: 12p13.31.
Variant type: single nucleotide variant.
Coding change: c.698C>T on transcript NM_001273.5 (MANE Select); coding-DNA position 698, C replaced by T.
Protein change: p.Ala233Val; replaces alanine 233 with valine.
Molecular consequence: missense variant.
Genome position (GRCh38, 1-based): chr12:6,601,390, G>A on the plus strand (C>T on the coding strand, the complement: CHD4 is on the minus strand). VCF-style: chr12-6601390-G-A. GRCh37 (hg19) VCF-style: chr12-6710556-G-A.
Other names: c.677C>T, p.Ala226Val (NM_001297553.2); c.698C>T, p.Ala233Val (NM_001363606.2); short protein forms A226V, A233V.
Identifiers: ClinVar variation 5040651 (VCV005040651.1).

ClinVar aggregate classification (germline): Likely benign (1 of 4 stars; one submission).

gnomAD v4.1: 4 of 1,614,128 alleles (0.00025%); highest among the groups gnomAD compares: Admixed American, 0.005%; no homozygotes.

Submission:

CeGaT Center for Human Genetics Tuebingen
Classification: Likely benign. Last evaluated: 2026-08-01. Review status: criteria provided, single submitter. Criteria: CeGaT Center For Human Genetics Tuebingen Variant Classification Criteria Version 2. Collection method: clinical testing. Allele origin: germline. Affected: yes. Observed: 1 variant allele.
Comment: CHD4: BS2